The following is an entry in ClinVar:

NM_000156.6(GAMT):c.608G>A (p.Arg203Gln)

Gene: GAMT (guanidinoacetate N-methyltransferase; minus strand). Cytogenetic location: 19p13.3.
Variant type: single nucleotide variant.
Coding change: c.608G>A on transcript NM_000156.6 (MANE Select); coding-DNA position 608, G replaced by A.
Protein change: p.Arg203Gln; replaces arginine 203 with glutamine.
Molecular consequence: missense variant.
Genome position (GRCh38, 1-based): chr19:1,397,462, C>T on the plus strand (G>A on the coding strand, the complement: GAMT is on the minus strand). VCF-style: chr19-1397462-C-T. GRCh37 (hg19) VCF-style: chr19-1397461-C-T.
Other names: p.R203Q:CGG>CAG; NM_000156.6(GAMT):c.608G>A; p.Arg203Gln; short protein forms R203Q.
Identifiers: ClinVar variation 205590 (VCV000205590.11), dbSNP rs376499506, ClinGen allele CA314824.

ClinVar aggregate classification (germline): Uncertain significance. Review status: reviewed by expert panel (3 of 4 stars). 4 submissions from 4 submitters: Uncertain significance (1). 3 of the submissions do not count toward it. Last evaluated 2025-04-28.

Conditions:
Cerebral creatine deficiency syndrome. Also called: Creatine deficiency syndromes. Identifiers: Orphanet 79172, MedGen C5244016, MONDO:0000456.
Deficiency of guanidinoacetate methyltransferase (CCDS2). Also called: CEREBRAL CREATINE DEFICIENCY SYNDROME 2; GAMT DEFICIENCY; Guanidinoacetate Methyltransferase (GAMT) Deficiency. Identifiers: Orphanet 382, MedGen C0574080, MONDO:0012999, OMIM 612736.

Allele frequency attached by ClinVar (database versions not stated): gnomAD 0.00003 and 0.00002; TOPMed 0.00003; ExAC 0.00003; gnomAD exomes 0.00007; ESP Exome Variant Server 0.00008.
gnomAD v4.1: 71 of 1,608,656 alleles (0.0044%); highest among the groups gnomAD compares: Admixed American, 0.013%; no homozygotes.

Submissions (4):

ClinGen Cerebral Creatine Deficiency Syndromes Variant Curation Expert Panel, ClinGen
Classification: Uncertain significance for Deficiency of guanidinoacetate methyltransferase. Last evaluated: 2025-04-28. Review status: reviewed by expert panel. Criteria: ClinGen CCDS ACMG Specifications GAMT V2.0.0. Collection method: curation. Allele origin: germline. Inheritance: Autosomal recessive inheritance.
Comment: The NM_000156.6:c.608G>A variant in GAMT is a missense variant predicted to result in the substitution of arginine for glutamine at amino acid 203 (p.Arg203Gln). The highest population minor allele frequency in gnomAD v4.1.0 is 0.0001333 (8/60002 alleles) in the Admixed American population, which is lower than the ClinGen CCDS VCEP’s threshold for PM2_Supporting (<0.0004), meeting this criterion (PM2_Supporting). The computational predictor REVEL gives a score of 0.196 which is below the threshold of 0.29, evidence that does not predict a damaging effect on GAMT function (BP4). To our knowledge, this variant has not been previously reported in the published literature, but has been noted in ClinVar (Variation ID: 205590). In summary, this variant meets the criteria to be classified as a variant of uncertain significance for GAMT deficiency. GAMT-specific ACMG/AMP criteria applied, as specified by the ClinGen CCDS VCEP (Specifications Version 2.0.0): PM2_Supporting, BP4. (Classification approved by the ClinGen CCDS VCEP on April 28, 2025).

GeneDx
Classification: Uncertain significance. Last evaluated: 2023-05-01. Review status: criteria provided, single submitter. Criteria: GeneDx Variant Classification Process June 2021. Collection method: clinical testing. Allele origin: germline. Affected: yes. Not counted in ClinVar's aggregate classification.
Comment: In silico analysis supports that this missense variant does not alter protein structure/function; Has not been previously published as pathogenic or benign to our knowledge

Labcorp Genetics (formerly Invitae), Labcorp
Classification: Uncertain significance for Cerebral creatine deficiency syndrome. Last evaluated: 2022-10-24. Review status: criteria provided, single submitter. Criteria: Invitae Variant Classification Sherloc (09022015). Collection method: clinical testing. Allele origin: germline. Not counted in ClinVar's aggregate classification.
Comment: This sequence change replaces arginine, which is basic and polar, with glutamine, which is neutral and polar, at codon 203 of the GAMT protein (p.Arg203Gln). This variant is present in population databases (rs376499506, gnomAD 0.02%). This variant has not been reported in the literature in individuals affected with GAMT-related conditions. ClinVar contains an entry for this variant (Variation ID: 205590). Advanced modeling of protein sequence and biophysical properties (such as structural, functional, and spatial information, amino acid conservation, physicochemical variation, residue mobility, and thermodynamic stability) performed at Invitae indicates that this missense variant is not expected to disrupt GAMT protein function. In summary, the available evidence is currently insufficient to determine the role of this variant in disease. Therefore, it has been classified as a Variant of Uncertain Significance.

Natera, Inc.
Classification: Uncertain significance for Guanidinoacetate methyltransferase deficiency. Last evaluated: 2019-10-28. Review status: no assertion criteria provided. Collection method: clinical testing. Allele origin: germline. Not counted in ClinVar's aggregate classification.